The following is an entry in ClinVar:

NM_015466.4(PTPN23):c.3473G>A (p.Arg1158Gln)

Gene: PTPN23 (protein tyrosine phosphatase non-receptor type 23; plus strand). Cytogenetic location: 3p21.31.
Variant type: single nucleotide variant.
Coding change: c.3473G>A on transcript NM_015466.4 (MANE Select); coding-DNA position 3473, G replaced by A.
Protein change: p.Arg1158Gln; replaces arginine 1158 with glutamine.
Molecular consequence: missense variant.
Genome position (GRCh38, 1-based): chr3:47,411,271, G>A. VCF-style: chr3-47411271-G-A. GRCh37 (hg19) VCF-style: chr3-47452761-G-A.
Other names: c.3095G>A, p.Arg1032Gln (NM_001304482.2); short protein forms R1032Q, R1158Q.
Identifiers: ClinVar variation 1988159 (VCV001988159.1), dbSNP rs765824179, ClinGen allele CA2366289.

ClinVar aggregate classification (germline): Uncertain significance (1 of 4 stars; one submission).

Allele frequency attached by ClinVar (database versions not stated): gnomAD exomes 0.00001; TOPMed 0.00001.

Submission:

Labcorp Genetics (formerly Invitae), Labcorp
Classification: Uncertain significance. Last evaluated: 2022-08-16. Review status: criteria provided, single submitter. Criteria: Invitae Variant Classification Sherloc (09022015). Collection method: clinical testing. Allele origin: germline.
Comment: This sequence change replaces arginine, which is basic and polar, with glutamine, which is neutral and polar, at codon 1158 of the PTPN23 protein (p.Arg1158Gln). This variant is present in population databases (rs765824179, gnomAD 0.01%). This variant has not been reported in the literature in individuals affected with PTPN23-related conditions. Algorithms developed to predict the effect of missense changes on protein structure and function output the following: SIFT: "Tolerated"; PolyPhen-2: "Benign"; Align-GVGD: "Class C0". The glutamine amino acid residue is found in multiple mammalian species, which suggests that this missense change does not adversely affect protein function. In summary, the available evidence is currently insufficient to determine the role of this variant in disease. Therefore, it has been classified as a Variant of Uncertain Significance.